The following is an entry in ClinVar:

NM_000392.5(ABCC2):c.1109C>T (p.Ala370Val)

Gene: ABCC2 (ATP binding cassette subfamily C member 2; plus strand). Cytogenetic location: 10q24.2.
Variant type: single nucleotide variant.
Coding change: c.1109C>T on transcript NM_000392.5 (MANE Select); coding-DNA position 1109, C replaced by T.
Protein change: p.Ala370Val; replaces alanine 370 with valine.
Molecular consequence: missense variant.
Genome position (GRCh38, 1-based): chr10:99,800,463, C>T. VCF-style: chr10-99800463-C-T. GRCh37 (hg19) VCF-style: chr10-101560220-C-T.
Other names: c.1109C>T (NM_000392.3, NM_000392.4); c.1109C>T, p.Ala370Val (LRG_1208t1); short protein forms A370V.
Identifiers: ClinVar variation 593734 (VCV000593734.8), dbSNP rs144390464, ClinGen allele CA212834549.

ClinVar aggregate classification (germline): Conflicting classifications of pathogenicity. Review status: criteria provided, conflicting classifications (1 of 4 stars). 3 submissions from 3 submitters: Uncertain significance (2); Likely benign (1). Last evaluated 2026-08-26.

Conditions:
Inborn genetic diseases. Identifiers: MedGen C0950123, MeSH D030342.
ABCC2-related disorder. Also called: ABCC2-related condition.

Allele frequency attached by ClinVar (database versions not stated): gnomAD exomes 0.00001 and 0.00002; gnomAD 0.00002; TOPMed 0.00003; ESP Exome Variant Server 0.00008.
gnomAD v4.1: 27 of 1,614,010 alleles (0.0017%); highest among the groups gnomAD compares: African/African-American, 0.004%; no homozygotes.

Submissions (3):

PreventionGenetics, part of Exact Sciences
Classification: Uncertain significance for ABCC2-related condition. Last evaluated: 2026-08-26. Review status: criteria provided, single submitter. Criteria: ACMG Guidelines, 2015. Collection method: clinical testing. Allele origin: germline.
Comment: The ABCC2 c.1109C>T variant is predicted to result in the amino acid substitution p.Ala370Val. To our knowledge, this variant has not been reported in the literature. This variant is reported in 0.0031% of alleles in individuals of European (Non-Finnish) descent in gnomAD. At this time, the clinical significance of this variant is uncertain due to the absence of conclusive functional and genetic evidence.

Ambry Genetics
Classification: Likely benign for Inborn genetic diseases. Last evaluated: 2023-05-15. Review status: criteria provided, single submitter. Criteria: Ambry Variant Classification Scheme 2023. Collection method: clinical testing. Allele origin: germline.

Eurofins Ntd Llc (ga)
Classification: Uncertain significance. Last evaluated: 2017-08-21. Review status: criteria provided, single submitter. Criteria: EGL Classification Definitions 2015. Collection method: clinical testing. Allele origin: germline. Observed: 1 variant allele, 1 heterozygote.